The following is an entry in ClinVar:

NC_000007.13:g.(?_142456998)_(142457385_?)del

Genes: PRSS1 (serine protease 1; plus strand), TRB (T cell receptor beta locus; plus strand). Cytogenetic location: 7q34.
Variant type: Deletion.
Identifiers: ClinVar variation 2424533 (VCV002424533.4).

ClinVar aggregate classification (germline): Uncertain significance (1 of 4 stars; one submission).

Conditions:
Hereditary pancreatitis (PCTT). Also called: Hereditary chronic pancreatitis; PRSS1-Related Hereditary Pancreatitis. Identifiers: Orphanet 676, MedGen C0238339, MONDO:0008185, OMIM 167800.

Submission:

Labcorp Genetics (formerly Invitae), Labcorp
Classification: Uncertain significance for Hereditary pancreatitis. Last evaluated: 2022-08-31. Review status: criteria provided, single submitter. Criteria: Invitae Variant Classification Sherloc (09022015). Collection method: clinical testing. Allele origin: germline.
Comment: In summary, the available evidence is currently insufficient to determine the role of this variant in disease. Therefore, it has been classified as a Variant of Uncertain Significance. This variant has not been reported in the literature in individuals affected with PRSS1-related conditions. This variant is a gross deletion of the genomic region encompassing exon(s) 1 of the PRSS1 gene, which includes the initiator codon. This deletion extends beyond the assayed region for this gene and therefore may encompass additional genes. It is expected to result in an absent or disrupted protein product. However, the current clinical and genetic evidence is not sufficient to establish whether loss-of-function variants in PRSS1 cause disease.